The following is an entry in ClinVar:

ClinVar aggregate classification (germline): Pathogenic (1 of 4 stars; one submission).

Conditions:
Charcot-Marie-Tooth disease axonal type 2P. Also called: CHARCOT-MARIE-TOOTH NEUROPATHY, TYPE 2P; Charcot-Marie-Tooth Neuropathy Type 2G; CHARCOT-MARIE-TOOTH DISEASE, AXONAL, TYPE 2G; CMT 2G. Identifiers: Orphanet 300319, Orphanet 99941, MedGen C3280797, MONDO:0013753, OMIM 614436.

Submission:

Labcorp Genetics (formerly Invitae), Labcorp
Classification: Pathogenic for Charcot-Marie-Tooth disease axonal type 2P. Last evaluated: 2024-12-16. Review status: criteria provided, single submitter. Criteria: Invitae Variant Classification Sherloc (09022015). Collection method: clinical testing. Allele origin: germline.
Comment: This sequence change creates a premature translational stop signal (p.Gln573*) in the LRSAM1 gene. It is expected to result in an absent or disrupted protein product. Loss-of-function variants in LRSAM1 are known to be pathogenic (PMID: 20865121, 33414056). This variant is not present in population databases (gnomAD no frequency). This variant has not been reported in the literature in individuals affected with LRSAM1-related conditions. ClinVar contains an entry for this variant (Variation ID: 2743863). For these reasons, this variant has been classified as Pathogenic.

Literature cited by the submitters: PubMed 20865121; PubMed 33414056.

NM_001005373.4(LRSAM1):c.1717C>T (p.Gln573Ter)

Gene: LRSAM1 (leucine rich repeat and sterile alpha motif containing 1; plus strand). Cytogenetic location: 9q33.3.
Variant type: single nucleotide variant.
Coding change: c.1717C>T on transcript NM_001005373.4 (MANE Select); coding-DNA position 1717, C replaced by T.
Protein change: p.Gln573Ter; replaces glutamine 573 with a stop codon.
Molecular consequence: nonsense. On other transcripts: non-coding transcript variant (2).
Genome position (GRCh38, 1-based): chr9:127,495,982, C>T. VCF-style: chr9-127495982-C-T. GRCh37 (hg19) VCF-style: chr9-130258261-C-T.
Other names: c.1717C>T, p.Gln573Ter (NM_001005374.4, NM_001384142.1, NM_138361.5); c.1636C>T, p.Gln546Ter (NM_001190723.3); c.1618C>T, p.Gln540Ter (NM_001384143.1); c.928C>T, p.Gln310Ter (NM_001384144.1); short protein forms Q310*, Q546*, Q573*, Q540*.
Identifiers: ClinVar variation 2743863 (VCV002743863.3), dbSNP rs150882646, ClinGen allele CA374935606.